The following is an entry in ClinVar:

ClinVar aggregate classification (germline): Uncertain significance (1 of 4 stars; one submission).

gnomAD v4.1: 2 of 1,614,048 alleles (0.00012%); highest among the groups gnomAD compares: East Asian, 0.0045%; no homozygotes.

Submission:

GeneDx
Classification: Uncertain significance. Last evaluated: 2025-08-06. Review status: criteria provided, single submitter. Criteria: GeneDx Variant Classification Process June 2021. Collection method: clinical testing. Allele origin: germline. Affected: yes.
Comment: In silico analysis supports that this missense variant has a deleterious effect on protein structure/function; Has not been previously published as pathogenic or benign to our knowledge

NM_014244.5(ADAMTS2):c.2414C>G (p.Thr805Arg)

Gene: ADAMTS2 (ADAM metallopeptidase with thrombospondin type 1 motif 2; minus strand). Cytogenetic location: 5q35.3.
Variant type: single nucleotide variant.
Coding change: c.2414C>G on transcript NM_014244.5 (MANE Select); coding-DNA position 2414, C replaced by G.
Protein change: p.Thr805Arg; replaces threonine 805 with arginine.
Molecular consequence: missense variant.
Genome position (GRCh38, 1-based): chr5:179,129,975, G>C on the plus strand (C>G on the coding strand, the complement: ADAMTS2 is on the minus strand). VCF-style: chr5-179129975-G-C. GRCh37 (hg19) VCF-style: chr5-178556976-G-C.
Other names: short protein forms T805R.
Identifiers: ClinVar variation 4756082 (VCV004756082.1).